The following is an entry in ClinVar:

NM_004360.5(CDH1):c.1729G>A (p.Gly577Arg)

Gene: CDH1 (cadherin 1; plus strand). Cytogenetic location: 16q22.1.
Variant type: single nucleotide variant.
Coding change: c.1729G>A on transcript NM_004360.5 (MANE Select); coding-DNA position 1729, G replaced by A.
Protein change: p.Gly577Arg; replaces glycine 577 with arginine.
Molecular consequence: missense variant. On other transcripts: 5 prime UTR variant (1).
Genome position (GRCh38, 1-based): chr16:68,822,018, G>A. VCF-style: chr16-68822018-G-A. GRCh37 (hg19) VCF-style: chr16-68855921-G-A.
Other names: c.-237G>A (NM_001317186.2); c.1546G>A, p.Gly516Arg (NM_001317184.2); c.181G>A, p.Gly61Arg (NM_001317185.2); short protein forms G577R, G516R, G61R.
Identifiers: ClinVar variation 2701129 (VCV002701129.3), dbSNP rs1961156636, ClinGen allele CA396466273.

ClinVar aggregate classification (germline): Uncertain significance (1 of 4 stars; one submission).

Conditions:
Hereditary diffuse gastric adenocarcinoma (HDGC). Also called: DIFFUSE GASTRIC AND LOBULAR BREAST CANCER SYNDROME. Identifiers: Orphanet 26106, MedGen C1708349, MONDO:0007648, OMIM 137215.

Submission:

Labcorp Genetics (formerly Invitae), Labcorp
Classification: Uncertain significance for Hereditary diffuse gastric adenocarcinoma. Last evaluated: 2024-01-03. Review status: criteria provided, single submitter. Criteria: Invitae Variant Classification Sherloc (09022015). Collection method: clinical testing. Allele origin: germline.
Comment: This sequence change replaces glycine, which is neutral and non-polar, with arginine, which is basic and polar, at codon 577 of the CDH1 protein (p.Gly577Arg). This variant is not present in population databases (gnomAD no frequency). This variant has not been reported in the literature in individuals affected with CDH1-related conditions. An algorithm developed to predict the effect of missense changes on protein structure and function (PolyPhen-2) suggests that this variant is likely to be disruptive. In summary, the available evidence is currently insufficient to determine the role of this variant in disease. Therefore, it has been classified as a Variant of Uncertain Significance.